The following is an entry in ClinVar:

ClinVar aggregate classification (germline): Benign/Likely benign. Review status: criteria provided, multiple submitters, no conflicts (2 of 4 stars). 4 submissions from 4 submitters: Benign (1); Likely benign (2). 1 of the submissions does not count toward it. Last evaluated 2023-08-17.

Conditions:
DNM1-related disorder. Also called: DNM1-related condition.
Inborn genetic diseases. Identifiers: MedGen C0950123, MeSH D030342.
Developmental and epileptic encephalopathy, 31A. Also called: Developmental and epileptic encephalopathy, 31; Epileptic encephalopathy, early infantile, 31. Identifiers: Orphanet 2382, MedGen C4225357, MONDO:0014598, OMIM 616346.

Allele frequency attached by ClinVar (database versions not stated): TOPMed 0.00001; ExAC 0.00002; gnomAD 0.00002; gnomAD exomes 0.00002 and 0.00005; ESP Exome Variant Server 0.00008.
gnomAD v4.1: 77 of 1,613,194 alleles (0.0048%); highest among the groups gnomAD compares: Non-Finnish European, 0.0064%; no homozygotes.

Submissions (4):

Labcorp Genetics (formerly Invitae), Labcorp
Classification: Benign for Developmental and epileptic encephalopathy, 31A. Last evaluated: 2023-08-17. Review status: criteria provided, single submitter. Criteria: Invitae Variant Classification Sherloc (09022015). Collection method: clinical testing. Allele origin: germline.

Ambry Genetics
Classification: Likely benign for Inborn genetic diseases. Last evaluated: 2018-06-22. Review status: criteria provided, single submitter. Criteria: Ambry Variant Classification Scheme 2023. Collection method: clinical testing. Allele origin: germline.

Blueprint Genetics
Classification: Likely benign. Last evaluated: 2018-06-20. Review status: criteria provided, single submitter. Criteria: ACMG Guidelines, 2015. Collection method: clinical testing. Allele origin: germline.

PreventionGenetics, part of Exact Sciences
Classification: Likely benign for DNM1-related condition. Last evaluated: 2019-03-25. Review status: no assertion criteria provided. Collection method: clinical testing. Allele origin: germline. Not counted in ClinVar's aggregate classification.
Comment: This variant is classified as likely benign based on ACMG/AMP sequence variant interpretation guidelines (Richards et al. 2015 PMID: 25741868, with internal and published modifications).

NM_004408.4(DNM1):c.261G>A (p.Lys87=)

Genes: DNM1 (dynamin 1; plus strand), LOC113839516 (Sharpr-MPRA regulatory region 8497; plus strand). Cytogenetic location: 9q34.11.
Variant type: single nucleotide variant.
Coding change: c.261G>A on transcript NM_004408.4 (MANE Select); coding-DNA position 261, G replaced by A.
Protein change: p.Lys87=; no amino-acid change (lysine 87 retained).
Molecular consequence: synonymous variant.
Genome position (GRCh38, 1-based): chr9:128,218,607, G>A. VCF-style: chr9-128218607-G-A. GRCh37 (hg19) VCF-style: chr9-130980886-G-A.
Other names: c.261G>A, p.Lys87= (NM_001005336.3, NM_001288737.2, NM_001288738.2 and 2 more transcripts).
Identifiers: ClinVar variation 959310 (VCV000959310.15), dbSNP rs377178808, ClinGen allele CA5257770.